The following is an entry in ClinVar:

ClinVar aggregate classification (germline): Uncertain significance. Review status: criteria provided, multiple submitters, no conflicts (2 of 4 stars). 3 submissions from 3 submitters: Uncertain significance (3). Last evaluated 2025-07-23.

Conditions:
Ataxia-telangiectasia syndrome (AT). Also called: Ataxia-telangiectasia; AT, COMPLEMENTATION GROUP C; ATAXIA-TELANGIECTASIA, COMPLEMENTATION GROUP A; ATAXIA-TELANGIECTASIA, FRESNO VARIANT; Ataxia-telangiectasia, complementation group E; LOUIS-BAR SYNDROME. Identifiers: Orphanet 100, MedGen C0004135, MONDO:0008840, OMIM 208900.
Hereditary cancer-predisposing syndrome. Also called: Tumor predisposition; Hereditary Cancer Syndrome; Neoplastic Syndromes, Hereditary; Hereditary neoplastic syndrome. Identifiers: Orphanet 140162, MedGen C0027672, MeSH D009386, MONDO:0015356.

Submissions (3):

Ambry Genetics
Classification: Uncertain significance for Hereditary cancer-predisposing syndrome. Last evaluated: 2025-07-23. Review status: criteria provided, single submitter. Criteria: Ambry Variant Classification Scheme 2023. Collection method: clinical testing. Allele origin: germline.
Comment: The c.1898G>C variant (also known as p.C633S), located in coding exon 11 of the ATM gene, results from a G to C substitution at nucleotide position 1898. The amino acid change results in cysteine to serine at codon 633, an amino acid with dissimilar properties. However, this change occurs in the last base pair of coding exon 11, which makes it likely to have some effect on normal mRNA splicing. The nucleotide and amino acid positions are highly conserved in available vertebrate species. In silico splice site analysis for this alteration is inconclusive. In addition, as a missense substitution the in silico prediction for this alteration is inconclusive. Based on the available evidence, the clinical significance of this variant remains unclear.

Labcorp Genetics (formerly Invitae), Labcorp
Classification: Uncertain significance for Ataxia-telangiectasia syndrome. Last evaluated: 2024-05-02. Review status: criteria provided, single submitter. Criteria: Invitae Variant Classification Sherloc (09022015). Collection method: clinical testing. Allele origin: germline.
Comment: This sequence change replaces cysteine, which is neutral and slightly polar, with serine, which is neutral and polar, at codon 633 of the ATM protein (p.Cys633Ser). This variant also falls at the last nucleotide of exon 12, which is part of the consensus splice site for this exon. This variant is not present in population databases (gnomAD no frequency). This variant has not been reported in the literature in individuals affected with ATM-related conditions. ClinVar contains an entry for this variant (Variation ID: 2115932). An algorithm developed to predict the effect of missense changes on protein structure and function (PolyPhen-2) suggests that this variant is likely to be tolerated. Variants that disrupt the consensus splice site are a relatively common cause of aberrant splicing (PMID: 17576681, 9536098). Algorithms developed to predict the effect of sequence changes on RNA splicing suggest that this variant may disrupt the consensus splice site. In summary, the available evidence is currently insufficient to determine the role of this variant in disease. Therefore, it has been classified as a Variant of Uncertain Significance.

Color Diagnostics, LLC DBA Color Health
Classification: Uncertain significance for Hereditary cancer-predisposing syndrome. Last evaluated: 2021-12-13. Review status: criteria provided, single submitter. Criteria: ACMG Guidelines, 2015. Collection method: clinical testing. Allele origin: germline.
Comment: This variant causes a G>C nucleotide substitution at the last nucleotide of exon 12 of the ATM gene and replaces cysteine with serine at codon 633 of the ATM protein. Splice site prediction tools suggest that this variant may impact RNA splicing. To our knowledge, functional studies have not been reported for this variant. This variant has not been reported in individuals affected with hereditary cancer in the literature. This variant has not been identified in the general population by the Genome Aggregation Database (gnomAD). The available evidence is insufficient to determine the role of this variant in disease conclusively. Therefore, this variant is classified as a Variant of Uncertain Significance.

Literature cited by the submitters: PubMed 17576681 (cited by Labcorp Genetics (formerly Invitae), Labcorp); PubMed 9536098 (cited by Labcorp Genetics (formerly Invitae), Labcorp).

NM_000051.4(ATM):c.1898G>C (p.Cys633Ser)

Gene: ATM (ATM serine/threonine kinase; plus strand). Cytogenetic location: 11q22.3.
Variant type: single nucleotide variant.
Coding change: c.1898G>C on transcript NM_000051.4 (MANE Select); coding-DNA position 1898, G replaced by C.
Protein change: p.Cys633Ser; replaces cysteine 633 with serine.
Molecular consequence: missense variant.
Genome position (GRCh38, 1-based): chr11:108,252,912, G>C. VCF-style: chr11-108252912-G-C. GRCh37 (hg19) VCF-style: chr11-108123639-G-C.
Other names: c.1898G>C, p.Cys633Ser (NM_001351834.2); short protein forms C633S.
Identifiers: ClinVar variation 2115932 (VCV002115932.7), dbSNP rs750371239, ClinGen allele CA382536119.